The following is an entry in ClinVar:

NM_001378120.1(MBD5):c.2750G>A (p.Ser917Asn)

Gene: MBD5 (methyl-CpG binding domain protein 5; plus strand). Cytogenetic location: 2q23.1.
Variant type: single nucleotide variant.
Coding change: c.2750G>A on transcript NM_001378120.1 (MANE Select); coding-DNA position 2750, G replaced by A.
Protein change: p.Ser917Asn; replaces serine 917 with asparagine.
Molecular consequence: missense variant.
Genome position (GRCh38, 1-based): chr2:148,483,341, G>A. VCF-style: chr2-148483341-G-A. GRCh37 (hg19) VCF-style: chr2-149240910-G-A.
Other names: c.2750G>A, p.Ser917Asn (NM_018328.5); short protein forms S917N.
Identifiers: ClinVar variation 654769 (VCV000654769.9), dbSNP rs748689212, ClinGen allele CA1900210.

ClinVar aggregate classification (germline): Uncertain significance (1 of 4 stars; one submission).

Conditions:
Intellectual developmental disorder, autosomal dominant 1. Also called: Intellectual disability, autosomal dominant 1; MBD5 Haploinsufficiency. Identifiers: Orphanet 228402, MedGen C1969562, MONDO:0007974, OMIM 156200.

Allele frequency attached by ClinVar (database versions not stated): TOPMed 0.00001; ExAC 0.00001; gnomAD exomes 0.00001.
gnomAD v4.1: 4 of 1,613,966 alleles (0.00025%); highest among the groups gnomAD compares: Admixed American, 0.005%; no homozygotes.

Submission:

Labcorp Genetics (formerly Invitae), Labcorp
Classification: Uncertain significance for Intellectual developmental disorder, autosomal dominant 1. Last evaluated: 2020-06-17. Review status: criteria provided, single submitter. Criteria: Invitae Variant Classification Sherloc (09022015). Collection method: clinical testing. Allele origin: germline.
Comment: This sequence change replaces serine with asparagine at codon 917 of the MBD5 protein (p.Ser917Asn). The serine residue is moderately conserved and there is a small physicochemical difference between serine and asparagine. This variant is present in population databases (rs748689212, ExAC 0.009%). This variant has not been reported in the literature in individuals with MBD5-related conditions. ClinVar contains an entry for this variant (Variation ID: 654769). Algorithms developed to predict the effect of missense changes on protein structure and function are either unavailable or do not agree on the potential impact of this missense change (SIFT: "Tolerated"; PolyPhen-2: "Not Available"; Align-GVGD: "Class C0"). In summary, the available evidence is currently insufficient to determine the role of this variant in disease. Therefore, it has been classified as a Variant of Uncertain Significance.